The following is an entry in ClinVar:

ClinVar aggregate classification (germline): Benign/Likely benign. Review status: criteria provided, multiple submitters, no conflicts (2 of 4 stars). 9 submissions from 9 submitters: Benign (1); Likely benign (6). 2 of the submissions do not count toward it. Last evaluated 2026-01-25.

Conditions:
MYLK-related disorder. Also called: MYLK-related condition.
Familial thoracic aortic aneurysm and aortic dissection (TAAD). Also called: Thoracic aortic aneurysms and dissections. Identifiers: Orphanet 91387, MedGen C4707243, MONDO:0019625.
Aortic aneurysm, familial thoracic 7 (AAT7). Also called: AORTIC DISSECTION, FAMILIAL, WITH OR WITHOUT AORTIC ANEURYSM. Identifiers: MedGen C3151077, MONDO:0013418, OMIM 613780.

Allele frequency attached by ClinVar (database versions not stated): gnomAD 0.00001 and 0.00003; TOPMed 0.00003; gnomAD exomes 0.00004; ExAC 0.00007; 1000 Genomes Project 30x 0.00031; 1000 Genomes Project 0.00040.
gnomAD v4.1: 117 of 1,613,530 alleles (0.0073%); highest among the groups gnomAD compares: Non-Finnish European, 0.0095%; no homozygotes.

Submissions (9):

Labcorp Genetics (formerly Invitae), Labcorp
Classification: Likely benign for Aortic aneurysm, familial thoracic 7. Last evaluated: 2026-01-25. Review status: criteria provided, single submitter. Criteria: Invitae Variant Classification Sherloc (09022015). Collection method: clinical testing. Allele origin: germline.

PreventionGenetics, part of Exact Sciences
Classification: Likely benign for MYLK-related condition. Last evaluated: 2025-03-09. Review status: criteria provided, single submitter. Criteria: ACMG Guidelines, 2015. Collection method: clinical testing. Allele origin: germline.
Comment: This variant is classified as likely benign based on ACMG/AMP sequence variant interpretation guidelines (Richards et al. 2015 PMID: 25741868, with internal and published modifications).

Women's Health and Genetics/Laboratory Corporation of America, LabCorp
Classification: Benign. Last evaluated: 2024-12-27. Review status: criteria provided, single submitter. Criteria: LabCorp Variant Classification Summary - May 2015. Collection method: clinical testing. Allele origin: germline.

Blueprint Genetics
Classification: Likely benign. Last evaluated: 2024-09-17. Review status: criteria provided, single submitter. Criteria: ACMG Guidelines, 2015. Collection method: clinical testing. Allele origin: germline.

ARUP Laboratories, Molecular Genetics and Genomics, ARUP Laboratories
Classification: Likely benign for Aortic aneurysm, familial thoracic 7. Last evaluated: 2019-04-05. Review status: criteria provided, single submitter. Criteria: ARUP Molecular Germline Variant Investigation Process. Collection method: clinical testing. Allele origin: germline.

Illumina Laboratory Services, Illumina
Classification: Likely benign for Aortic aneurysm, familial thoracic 7. Last evaluated: 2017-11-01. Review status: criteria provided, single submitter. Criteria: ICSL Variant Classification Criteria 13 December 2019. Collection method: clinical testing. Allele origin: germline.
Comment: This variant was observed as part of a predisposition screen in an ostensibly healthy population. A literature search was performed for the gene, cDNA change, and amino acid change (where applicable). Publications were found based on this search. The evidence from the literature, in combination with allele frequency data from public databases where available, was sufficient to determine this variant is unlikely to cause disease. Therefore, this variant is classified as likely benign.

Ambry Genetics
Classification: Likely benign for Familial thoracic aortic aneurysm and aortic dissection. Last evaluated: 2015-09-07. Review status: criteria provided, single submitter. Criteria: Ambry Variant Classification Scheme 2023. Collection method: clinical testing. Allele origin: germline.

Clinical Genetics DNA and cytogenetics Diagnostics Lab, Erasmus MC, Erasmus Medical Center
Classification: Likely benign. Review status: no assertion criteria provided. Collection method: clinical testing. Allele origin: germline. Affected: yes. Study: VKGL Data-share Consensus. Not counted in ClinVar's aggregate classification.

Genome Diagnostics Laboratory, Amsterdam University Medical Center
Classification: Likely benign. Review status: no assertion criteria provided. Collection method: clinical testing. Allele origin: germline. Affected: yes. Study: VKGL Data-share Consensus. Not counted in ClinVar's aggregate classification.

Literature cited by the submitters: PubMed 26017485 (cited by Illumina Laboratory Services, Illumina).

NM_053025.4(MYLK):c.1314C>T (p.Ser438=)

Gene: MYLK (myosin light chain kinase; minus strand). Cytogenetic location: 3q21.1.
Variant type: single nucleotide variant.
Coding change: c.1314C>T on transcript NM_053025.4 (MANE Select); coding-DNA position 1314, C replaced by T.
Protein change: p.Ser438=; no amino-acid change (serine 438 retained).
Molecular consequence: synonymous variant. On other transcripts: intron variant (2).
Genome position (GRCh38, 1-based): chr3:123,733,098, G>A on the plus strand (C>T on the coding strand, the complement: MYLK is on the minus strand). VCF-style: chr3-123733098-G-A. GRCh37 (hg19) VCF-style: chr3-123451945-G-A.
Other names: c.786C>T, p.Ser262= (NM_001321309.2); c.1314C>T, p.Ser438= (NM_053027.4); c.1309+589C>T (NM_053028.4, NM_053026.4).
Identifiers: ClinVar variation 264383 (VCV000264383.29), dbSNP rs200423954, ClinGen allele CA066991.